The following is an entry in ClinVar:

ClinVar aggregate classification (germline): Uncertain significance (1 of 4 stars; one submission).

Conditions:
Myopathy, proximal, and ophthalmoplegia (CMYO6). Also called: CONGENITAL MYOPATHY 6 WITH OPHTHALMOPLEGIA; MYOPATHY WITH CONGENITAL JOINT CONTRACTURES, OPHTHALMOPLEGIA, AND RIMMED VACUOLES; INCLUSION BODY MYOPATHY 3, AUTOSOMAL DOMINANT. Identifiers: Orphanet 363677, Orphanet 79091, MedGen C1854106, MONDO:0011577, OMIM 605637.

Allele frequency attached by ClinVar (database versions not stated): gnomAD exomes below 0.00001; ExAC 0.00001.

Submission:

Labcorp Genetics (formerly Invitae), Labcorp
Classification: Uncertain significance for Myopathy, proximal, and ophthalmoplegia. Last evaluated: 2025-04-11. Review status: criteria provided, single submitter. Criteria: Invitae Variant Classification Sherloc (09022015). Collection method: clinical testing. Allele origin: germline.
Comment: This sequence change replaces asparagine, which is neutral and polar, with lysine, which is basic and polar, at codon 565 of the MYH2 protein (p.Asn565Lys). This variant is present in population databases (rs771444036, gnomAD 0.0009%). This variant has not been reported in the literature in individuals affected with MYH2-related conditions. ClinVar contains an entry for this variant (Variation ID: 1413791). An algorithm developed to predict the effect of missense changes on protein structure and function (PolyPhen-2) suggests that this variant is likely to be disruptive. In summary, the available evidence is currently insufficient to determine the role of this variant in disease. Therefore, it has been classified as a Variant of Uncertain Significance.

NM_017534.6(MYH2):c.1695C>A (p.Asn565Lys)

Genes: MYH2 (myosin heavy chain 2; minus strand), MYHAS (myosin heavy chain gene cluster antisense RNA; plus strand). Cytogenetic location: 17p13.1.
Variant type: single nucleotide variant.
Coding change: c.1695C>A on transcript NM_017534.6 (MANE Select); coding-DNA position 1695, C replaced by A.
Protein change: p.Asn565Lys; replaces asparagine 565 with lysine.
Molecular consequence: missense variant.
Genome position (GRCh38, 1-based): chr17:10,537,435, G>T on the plus strand (C>A on the coding strand, the complement: MYH2 is on the minus strand). VCF-style: chr17-10537435-G-T. GRCh37 (hg19) VCF-style: chr17-10440752-G-T.
Other names: c.1695C>A, p.Asn565Lys (NM_001100112.2); short protein forms N565K.
Identifiers: ClinVar variation 1413791 (VCV001413791.6), dbSNP rs771444036, ClinGen allele CA8391309.